The following is an entry in ClinVar:

NM_007214.5(SEC63):c.573+7_573+8delinsTT

Gene: SEC63 (SEC63 protein translocation regulator; minus strand). Cytogenetic location: 6q21.
Variant type: Indel.
Coding change: c.573+7_573+8delinsTT on transcript NM_007214.5 (MANE Select); bases 7 to 8 of the intron after coding-DNA position 573, GC replaced by TT.
Molecular consequence: intron variant.
Genome position (GRCh38, 1-based): chr6:107,912,708-107,912,709, GC replaced by AA on the plus strand (GC replaced by TT on the coding strand, the reverse complement: SEC63 is on the minus strand). VCF-style: chr6-107912708-GC-AA. GRCh37 (hg19) VCF-style: chr6-108233912-GC-AA.
Identifiers: ClinVar variation 3719389 (VCV003719389.2).

ClinVar aggregate classification (germline): Uncertain significance (1 of 4 stars; one submission).

Submission:

Labcorp Genetics (formerly Invitae), Labcorp
Classification: Uncertain significance. Last evaluated: 2025-06-12. Review status: criteria provided, single submitter. Criteria: Invitae Variant Classification Sherloc (09022015). Collection method: clinical testing. Allele origin: germline.
Comment: This sequence change falls in intron 6 of the SEC63 gene. It does not directly change the encoded amino acid sequence of the SEC63 protein. Information on the frequency of this variant in the gnomAD database is not available, as this variant may be reported differently in the database. This variant has not been reported in the literature in individuals affected with SEC63-related conditions. ClinVar contains an entry for this variant (Variation ID: 3719389). Experimental studies and prediction algorithms are not available or were not evaluated, and the effect of this variant on mRNA splicing is currently unknown. In summary, the available evidence is currently insufficient to determine the role of this variant in disease. Therefore, it has been classified as a Variant of Uncertain Significance.